The following is an entry in ClinVar:

ClinVar aggregate classification (germline): Uncertain significance. Review status: criteria provided, multiple submitters, no conflicts (2 of 4 stars). 2 submissions from 2 submitters: Uncertain significance (2). Last evaluated 2026-06-29.

Submissions (2):

Women's Health and Genetics/Laboratory Corporation of America, LabCorp
Classification: Uncertain significance. Last evaluated: 2026-06-29. Review status: criteria provided, single submitter. Criteria: LabCorp Variant Classification Summary - May 2015. Collection method: clinical testing. Allele origin: germline.
Comment: Variant summary: B4GALT7 c.869_870delTG (p.Val290GlufsX27) results in a premature termination codon, predicted to cause a truncation of the encoded protein or absence of the protein due to nonsense mediated decay, which are commonly known mechanisms for disease. The variant was absent in 251210 control chromosomes. The available data on variant occurrences in the general population are insufficient to allow any conclusion about variant significance. To our knowledge, no occurrence of c.869_870delTG in individuals affected with B4GALT7-related conditions and no experimental evidence demonstrating its impact on protein function have been reported. No submitters have cited clinical-significance assessments for this variant to ClinVar. Based on the evidence outlined above, the variant was classified as uncertain significance.

Blueprint Genetics
Classification: Uncertain significance. Last evaluated: 2023-11-20. Review status: criteria provided, single submitter. Criteria: ACMG Guidelines, 2015. Collection method: clinical testing. Allele origin: germline.

NM_007255.3(B4GALT7):c.869_870del (p.Val290fs)

Gene: B4GALT7 (beta-1,4-galactosyltransferase 7; plus strand). Cytogenetic location: 5q35.3.
Variant type: Microsatellite.
Coding change: c.869_870del on transcript NM_007255.3 (MANE Select); coding-DNA positions 869 to 870, 2 bases deleted (TG; older notation c.869_870delTG).
Protein change: p.Val290fs; shifts the reading frame from valine 290.
Molecular consequence: frameshift variant.
Genome position (GRCh38, 1-based): chr5:177,609,580-177,609,581, TG deleted; deleting any 2 consecutive bases within chr5:177,609,578-177,609,581 gives the same sequence; the c. name uses the placement nearest the transcript's 3' end. VCF-style (leftmost placement, unchanged base first): chr5-177609577-CTG-C. GRCh37 (hg19) VCF-style: chr5-177036578-CTG-C.
Other names: c.869_870delTG (NM_007255.3); short protein forms V290fs.
Identifiers: ClinVar variation 4887594 (VCV004887594.2).